The following is an entry in ClinVar:

NM_000016.6(ACADM):c.1118T>C (p.Val373Ala)

Gene: ACADM (acyl-CoA dehydrogenase medium chain; plus strand). Cytogenetic location: 1p31.1.
Variant type: single nucleotide variant.
Coding change: c.1118T>C on transcript NM_000016.6 (MANE Select); coding-DNA position 1118, T replaced by C.
Protein change: p.Val373Ala; replaces valine 373 with alanine.
Molecular consequence: missense variant.
Genome position (GRCh38, 1-based): chr1:75,761,294, T>C. VCF-style: chr1-75761294-T-C. GRCh37 (hg19) VCF-style: chr1-76226979-T-C.
Other names: c.1130T>C, p.Val377Ala (NM_001127328.3); c.1010T>C, p.Val337Ala (NM_001286042.2); c.1217T>C, p.Val406Ala (NM_001286043.2); c.551T>C, p.Val184Ala (NM_001286044.2); c.1118T>C (NM_000016.5); short protein forms V184A, V337A, V373A, V377A, V406A.
Identifiers: ClinVar variation 1198914 (VCV001198914.14), dbSNP rs373057729, ClinGen allele CA913277.

ClinVar aggregate classification (germline): Conflicting classifications of pathogenicity. Review status: criteria provided, conflicting classifications (1 of 4 stars). 6 submissions from 6 submitters: Pathogenic (1); Likely pathogenic (4); Uncertain significance (1). Last evaluated 2025-12-30.

Conditions:
Medium-chain acyl-coenzyme A dehydrogenase deficiency (ACADMD). Also called: Medium chain acyl-CoA dehydrogenase deficiency; MCADD; MCADH DEFICIENCY; ACADM DEFICIENCY; CARNITINE DEFICIENCY SECONDARY TO MEDIUM-CHAIN ACYL-CoA DEHYDROGENASE DEFICIENCY; MCAD Deficiency. Identifiers: Orphanet 42, MedGen C0220710, MONDO:0008721, OMIM 201450.

Allele frequency attached by ClinVar (database versions not stated): gnomAD exomes below 0.00001 and 0.00001; ExAC 0.00002; gnomAD 0.00003 and 0.00004; TOPMed 0.00003; ESP Exome Variant Server 0.00008.
gnomAD v4.1: 10 of 1,613,932 alleles (0.00062%); highest among the groups gnomAD compares: African/African-American, 0.013%; no homozygotes.

Submissions (6):

Labcorp Genetics (formerly Invitae), Labcorp
Classification: Likely pathogenic for Medium-chain acyl-coenzyme A dehydrogenase deficiency. Last evaluated: 2025-12-30. Review status: criteria provided, single submitter. Criteria: Invitae Variant Classification Sherloc (09022015). Collection method: clinical testing. Allele origin: germline.
Comment: This sequence change replaces valine, which is neutral and non-polar, with alanine, which is neutral and non-polar, at codon 373 of the ACADM protein (p.Val373Ala). This variant is present in population databases (rs373057729, gnomAD 0.01%). This missense change has been observed in individual(s) with medium chain acyl-CoA dehydrogenase deficiency (PMID: 23151387). ClinVar contains an entry for this variant (Variation ID: 1198914). Invitae Evidence Modeling of protein sequence and biophysical properties (such as structural, functional, and spatial information, amino acid conservation, physicochemical variation, residue mobility, and thermodynamic stability) indicates that this missense variant is expected to disrupt ACADM protein function with a positive predictive value of 80%. In summary, the currently available evidence indicates that the variant is pathogenic, but additional data are needed to prove that conclusively. Therefore, this variant has been classified as Likely Pathogenic.

Natera, Inc.
Classification: Likely pathogenic for Medium Chain Acyl-CoA Dehydrogenase Deficiency. Last evaluated: 2025-12-19. Review status: criteria provided, single submitter. Criteria: Natera Variant Classification Schema (03/2026). Collection method: clinical testing. Allele origin: germline.
Comment: The c.1118T>C variant in ACADM is a missense variant predicted to cause substitution of valine to alanine at amino acid 373. This variant is rare in the general population with a frequency below the threshold expected for the associated phenotype(s). This variant has been observed in one or more individuals affected with the associated recessive disease, as either homozygous or compound heterozygous with a second variant (PMID: 23151387). A different variant at the same position has been determined to be Pathogenic or Likely Pathogenic. Computational prediction algorithms indicate this variant is likely to affect gene or protein function. Given the available evidence, this variant is classified as Likely Pathogenic.

GeneDx
Classification: Likely pathogenic. Last evaluated: 2025-03-12. Review status: criteria provided, single submitter. Criteria: GeneDx Variant Classification Process June 2021. Collection method: clinical testing. Allele origin: germline. Affected: yes.
Comment: Not observed at significant frequency in large population cohorts (gnomAD); In silico analysis supports that this missense variant has a deleterious effect on protein structure/function; This variant is associated with the following publications: (PMID: 23151387)

Baylor Genetics
Classification: Pathogenic for Medium-chain acyl-coenzyme A dehydrogenase deficiency. Last evaluated: 2024-03-14. Review status: criteria provided, single submitter. Criteria: ACMG Guidelines, 2015. Collection method: clinical testing. Allele origin: unknown.

Women's Health and Genetics/Laboratory Corporation of America, LabCorp
Classification: Uncertain significance. Last evaluated: 2023-10-05. Review status: criteria provided, single submitter. Criteria: LabCorp Variant Classification Summary - May 2015. Collection method: clinical testing. Allele origin: germline.
Comment: Variant summary: ACADM c.1118T>C (p.Val373Ala) results in a non-conservative amino acid change located in the Acyl-CoA dehydrogenase/oxidase, C-terminal (IPR009075) of the encoded protein sequence. Five of five in-silico tools predict a damaging effect of the variant on protein function. The variant allele was found at a frequency of 8e-06 in 251206 control chromosomes. The available data on variant occurrences in the general population are insufficient to allow any conclusion about variant significance. c.1118T>C has been reported in the literature in at least one compound heterozygous individual affected with Medium Chain Acyl-CoA Dehydrogenase Deficiency (e.g.McCandless_2013). These data do not allow any conclusion about variant significance. To our knowledge, no experimental evidence demonstrating an impact on protein function has been reported. The following publication has been ascertained in the context of this evaluation (PMID: 23151387). Three submitters have cited clinical-significance assessments for this variant to ClinVar after 2014. All submitters classified the variant as likely pathogenic. Based on the evidence outlined above, the variant was classified as uncertain significance.

MGZ Medical Genetics Center
Classification: Likely pathogenic for Medium-chain acyl-coenzyme A dehydrogenase deficiency. Last evaluated: 2022-02-09. Review status: criteria provided, single submitter. Criteria: ACMG Guidelines, 2015. Collection method: clinical testing. Allele origin: germline. Affected: yes. Observed: 1 variant allele.
Comment: ACMG criteria applied: PM1, PS4_SUP, PM2_SUP, PM3_SUP, PP3

Literature cited by the submitters: PubMed 23151387 (cited by 3 submitters).